The following is an entry in ClinVar:

NM_024685.4(BBS10):c.235dup (p.Thr79fs)

Gene: BBS10 (Bardet-Biedl syndrome 10; minus strand). Cytogenetic location: 12q21.2.
Variant type: Duplication.
Coding change: c.235dup on transcript NM_024685.4 (MANE Select); coding-DNA position 235, one base duplicated (A; older notation c.235dupA).
Protein change: p.Thr79fs; shifts the reading frame from threonine 79.
Molecular consequence: frameshift variant.
Genome position (GRCh38, 1-based): chr12:76,347,750, T duplicated on the plus strand (A on the coding strand, the reverse complement: BBS10 is on the minus strand); the first of 7 consecutive T bases (chr12:76,347,750-76,347,756); duplicating any one gives the same sequence. VCF-style (leftmost placement, unchanged base first): chr12-76347749-G-GT. GRCh37 (hg19) VCF-style: chr12-76741529-G-GT.
Other names: c.235dupA (NM_024685.3); c.235dup, p.Thr79fs (LRG_1255t1); short protein forms T79fs.
Identifiers: ClinVar variation 554591 (VCV000554591.58), dbSNP rs760693838, ClinGen allele CA6694381.

ClinVar aggregate classification (germline): Pathogenic/Likely pathogenic. Review status: criteria provided, multiple submitters, no conflicts (2 of 4 stars). 10 submissions from 10 submitters: Pathogenic (8); Likely pathogenic (1). 1 of the submissions does not count toward it. Last evaluated 2025-09-30.

Conditions:
Bardet-Biedl syndrome 10 (BBS10). Identifiers: Orphanet 110, MedGen C1859568, MONDO:0014438, OMIM 615987.
BBS10-related disorder. Also called: BBS10-related condition.
Bardet-Biedl syndrome (BBS). Identifiers: Orphanet 110, MedGen C0752166, MONDO:0015229.

Submissions (10):

Natera, Inc.
Classification: Pathogenic for Bardet-Biedl syndrome type 10. Last evaluated: 2025-09-30. Review status: criteria provided, single submitter. Criteria: Natera Variant Classification Schema (03/2026). Collection method: clinical testing. Allele origin: germline.
Comment: The c.235dupA variant in BBS10 is a frameshift variant predicted to shift the reading frame beginning at codon 79 and leads to a stop codon 17 codons downstream. This variant is expected to result in nonsense mediated decay, truncation, or a dysfunctional protein product. This variant is rare in the general population with a frequency below the threshold expected for the associated phenotype(s). This variant has been observed in one or more individuals affected with the associated recessive disease, as either homozygous or compound heterozygous with a second variant (PMID: 28143435). Given the available evidence, this variant is classified as Pathogenic.

3billion
Classification: Pathogenic for Bardet-Biedl syndrome 10. Last evaluated: 2024-01-24. Review status: criteria provided, single submitter. Criteria: ACMG Guidelines, 2015. Collection method: clinical testing. Allele origin: germline. Affected: yes.
Comment: The variant is observed at an extremely low frequency in the gnomAD v2.1.1 dataset (total allele frequency: <0.001%). Predicted Consequence/Location: Frameshift: predicted to result in a loss or disruption of normal protein function through protein truncation. The predicted truncated protein may be shortened by more than 10%. The variant has been reported at least twice as pathogenic with clinical assertions and evidence for the classification (ClinVar ID: VCV000554591). Therefore, this variant is classified as Pathogenic according to the recommendation of ACMG/AMP guideline.

Labcorp Genetics (formerly Invitae), Labcorp
Classification: Pathogenic for Bardet-Biedl syndrome. Last evaluated: 2023-11-14. Review status: criteria provided, single submitter. Criteria: Invitae Variant Classification Sherloc (09022015). Collection method: clinical testing. Allele origin: germline.
Comment: This sequence change creates a premature translational stop signal (p.Thr79Asnfs*17) in the BBS10 gene. While this is not anticipated to result in nonsense mediated decay, it is expected to disrupt the last 645 amino acid(s) of the BBS10 protein. This variant is present in population databases (rs760693838, gnomAD 0.002%). This premature translational stop signal has been observed in individual(s) with clinical features of Bardet-Biedl syndrome (PMID: 27659767, 28143435). ClinVar contains an entry for this variant (Variation ID: 554591). This variant disrupts a region of the BBS10 protein in which other variant(s) (p.Val707*) have been determined to be pathogenic (PMID: 27486776). This suggests that this is a clinically significant region of the protein, and that variants that disrupt it are likely to be disease-causing. For these reasons, this variant has been classified as Pathogenic.

Genetic Services Laboratory, University of Chicago
Classification: Pathogenic. Last evaluated: 2023-08-07. Review status: criteria provided, single submitter. Criteria: ACMG Guidelines, 2015. Collection method: clinical testing. Allele origin: germline. Affected: yes.
Comment: DNA sequence analysis of the BBS10 gene demonstrated a single base pair deletion in exon 2, c.235dup. This sequence change results in an amino acid frameshift and creates a premature stop codon 16 amino acids downstream of the change, p.Thr79Asnfs*17. This sequence change is predicted to result in an abnormal transcript, which may be degraded, or may lead to the production of a truncated BBS10 protein with potentially abnormal function. This sequence change has been described in the gnomAD database in two individuals corresponding to a population frequency of 0.00083% (dbSNP rs760693838). This pathogenic sequence change has previously been described in an individuals with BBS10-related disorders (PMID: 28143435, 35140360, 35886001, 36460718). Additionally, other deletions and duplications that disrupt this region of the BBS10 gene have been described as pathogenic. Based on these collective evidences, this sequence change is classified as pathogenic, however, functional studies have not been performed to prove this conclusively.

Baylor Genetics
Classification: Pathogenic for Bardet-Biedl syndrome 10. Last evaluated: 2023-03-24. Review status: criteria provided, single submitter. Criteria: ACMG Guidelines, 2015. Collection method: clinical testing. Allele origin: unknown.

Women's Health and Genetics/Laboratory Corporation of America, LabCorp
Classification: Likely pathogenic for Bardet-Biedl syndrome. Last evaluated: 2020-04-24. Review status: criteria provided, single submitter. Criteria: LabCorp Variant Classification Summary - May 2015. Collection method: clinical testing. Allele origin: germline.
Comment: Variant summary: BBS10 c.235dupA (p.Thr79AsnfsX17) results in a premature termination codon, predicted to cause a truncation of the encoded protein or absence of the protein due to nonsense mediated decay, which are commonly known mechanisms for disease. Truncations downstream of this position have been classified as pathogenic by our laboratory. The variant allele was found at a frequency of 8.3e-06 in 240916 control chromosomes (gnomAD). c.235dupA has been reported in the literature in individuals affected with Bardet-Biedl Syndrome (Yoon_2014, Esposito_2017). These data indicate that the variant may be associated with disease. To our knowledge, no experimental evidence demonstrating an impact on protein function has been reported. Two ClinVar submitters (evaluation after 2014) cite the variant as pathogenic. Based on the evidence outlined above, the variant was classified as likely pathogenic.

Blueprint Genetics
Classification: Pathogenic for BBS10-related disorders. Last evaluated: 2018-11-08. Review status: criteria provided, single submitter. Criteria: ACMG Guidelines, 2015. Collection method: clinical testing. Allele origin: germline. Affected: yes. Observed: 1 variant allele.

CeGaT Center for Human Genetics Tuebingen
Classification: Pathogenic. Last evaluated: 2017-08-01. Review status: criteria provided, single submitter. Criteria: CeGaT Center For Human Genetics Tuebingen Variant Classification Criteria Version 2. Collection method: clinical testing. Allele origin: germline. Affected: yes. Observed: 1 variant allele.

SN ONGC Dept of Genetics and Molecular biology Vision Research Foundation
Classification: Pathogenic for Bardet-Biedl syndrome. Review status: criteria provided, single submitter. Criteria: ACMG Guidelines, 2015. Collection method: research. Allele origin: inherited. Affected: yes.
Comment: This variant was observed in compound heterozygosity with variant NC_000012.11:g.76740581T>C

Counsyl
Classification: Pathogenic for Bardet-Biedl syndrome 10. Last evaluated: 2017-10-26. Review status: no assertion criteria provided. Collection method: clinical testing. Allele origin: unknown. Not counted in ClinVar's aggregate classification.

Literature cited by the submitters: PubMed 28143435 (cited by 3 submitters); PubMed 27659767 (cited by Labcorp Genetics (formerly Invitae), Labcorp and Counsyl); PubMed 27486776 (cited by Labcorp Genetics (formerly Invitae), Labcorp).